The following is an entry in ClinVar:

NM_000417.3(IL2RA):c.537G>T (p.Gln179His)

Gene: IL2RA (interleukin 2 receptor subunit alpha; minus strand). Cytogenetic location: 10p15.1.
Variant type: single nucleotide variant.
Coding change: c.537G>T on transcript NM_000417.3 (MANE Select); coding-DNA position 537, G replaced by T.
Protein change: p.Gln179His; replaces glutamine 179 with histidine.
Molecular consequence: missense variant. On other transcripts: intron variant (2).
Genome position (GRCh38, 1-based): chr10:6,021,524, C>A on the plus strand (G>T on the coding strand, the complement: IL2RA is on the minus strand). VCF-style: chr10-6021524-C-A. GRCh37 (hg19) VCF-style: chr10-6063487-C-A.
Other names: c.368-2025G>T (NM_001308243.2); c.368-1583G>T (NM_001308242.2); short protein forms Q179H.
Identifiers: ClinVar variation 971966 (VCV000971966.7), dbSNP rs1374000273, ClinGen allele CA375926397.

ClinVar aggregate classification (germline): Uncertain significance (1 of 4 stars; one submission).

Conditions:
Immunodeficiency due to CD25 deficiency. Also called: CD25 DEFICIENCY; IMMUNODEFICIENCY 41 WITH LYMPHOPROLIFERATION AND AUTOIMMUNITY; IL2RA DEFICIENCY. Identifiers: Orphanet 169100, MedGen C1853392, MONDO:0011664, OMIM 606367.

Allele frequency attached by ClinVar (database versions not stated): gnomAD exomes below 0.00001; gnomAD 0.00001; TOPMed 0.00001.
gnomAD v4.1: 4 of 1,614,046 alleles (0.00025%); highest among the groups gnomAD compares: Non-Finnish European, 0.00034%; no homozygotes.

Submission:

Labcorp Genetics (formerly Invitae), Labcorp
Classification: Uncertain significance for Immunodeficiency due to CD25 deficiency. Last evaluated: 2021-08-30. Review status: criteria provided, single submitter. Criteria: Invitae Variant Classification Sherloc (09022015). Collection method: clinical testing. Allele origin: germline.
Comment: This sequence change replaces glutamine with histidine at codon 179 of the IL2RA protein (p.Gln179His). The glutamine residue is moderately conserved and there is a small physicochemical difference between glutamine and histidine. This variant is not present in population databases (ExAC no frequency). This variant has not been reported in the literature in individuals affected with IL2RA-related conditions. Algorithms developed to predict the effect of missense changes on protein structure and function (SIFT, PolyPhen-2, Align-GVGD) all suggest that this variant is likely to be tolerated. In summary, the available evidence is currently insufficient to determine the role of this variant in disease. Therefore, it has been classified as a Variant of Uncertain Significance.